The following is an entry in ClinVar:

ClinVar aggregate classification (germline): Uncertain significance. Review status: criteria provided, multiple submitters, no conflicts (2 of 4 stars). 2 submissions from 2 submitters: Uncertain significance (2). Last evaluated 2025-09-26.

Conditions:
Inborn genetic diseases. Identifiers: MedGen C0950123, MeSH D030342.

Allele frequency attached by ClinVar (database versions not stated): gnomAD 0.00003; gnomAD exomes 0.00005 and 0.00010; ExAC 0.00007; TOPMed 0.00008.
gnomAD v4.1: 78 of 1,613,508 alleles (0.0048%); highest among the groups gnomAD compares: Admixed American, 0.03%; no homozygotes.

Submissions (2):

Ambry Genetics
Classification: Uncertain significance for Inborn genetic diseases. Last evaluated: 2025-09-26. Review status: criteria provided, single submitter. Criteria: Ambry Variant Classification Scheme 2023. Collection method: clinical testing. Allele origin: germline.

Labcorp Genetics (formerly Invitae), Labcorp
Classification: Uncertain significance. Last evaluated: 2025-07-21. Review status: criteria provided, single submitter. Criteria: Invitae Variant Classification Sherloc (09022015). Collection method: clinical testing. Allele origin: germline.
Comment: This sequence change replaces serine, which is neutral and polar, with leucine, which is neutral and non-polar, at codon 1257 of the TUBGCP6 protein (p.Ser1257Leu). This variant is present in population databases (rs755994947, gnomAD 0.05%). This variant has not been reported in the literature in individuals affected with TUBGCP6-related conditions. ClinVar contains an entry for this variant (Variation ID: 957740). An algorithm developed to predict the effect of missense changes on protein structure and function outputs the following: PolyPhen-2: "Benign". The leucine amino acid residue is found in multiple mammalian species, which suggests that this missense change does not adversely affect protein function. In summary, the available evidence is currently insufficient to determine the role of this variant in disease. Therefore, it has been classified as a Variant of Uncertain Significance.

NM_020461.4(TUBGCP6):c.3770C>T (p.Ser1257Leu)

Gene: TUBGCP6 (tubulin gamma complex component 6; minus strand). Cytogenetic location: 22q13.33.
Variant type: single nucleotide variant.
Coding change: c.3770C>T on transcript NM_020461.4 (MANE Select); coding-DNA position 3770, C replaced by T.
Protein change: p.Ser1257Leu; replaces serine 1257 with leucine.
Molecular consequence: missense variant.
Genome position (GRCh38, 1-based): chr22:50,220,589, G>A on the plus strand (C>T on the coding strand, the complement: TUBGCP6 is on the minus strand). VCF-style: chr22-50220589-G-A. GRCh37 (hg19) VCF-style: chr22-50659018-G-A.
Other names: short protein forms S1257L.
Identifiers: ClinVar variation 957740 (VCV000957740.9), dbSNP rs755994947, ClinGen allele CA10307828.